The following is an entry in ClinVar:

ClinVar aggregate classification (germline): Uncertain significance (1 of 4 stars; one submission).

Conditions:
Glycine encephalopathy. Also called: Nonketotic hyperglycinemia; Non-ketotic hyperglycinemia. Identifiers: Orphanet 407, MedGen C0751748, MONDO:0011612, HP:0008288.

Submission:

Labcorp Genetics (formerly Invitae), Labcorp
Classification: Uncertain significance for Glycine encephalopathy. Last evaluated: 2022-02-04. Review status: criteria provided, single submitter. Criteria: Invitae Variant Classification Sherloc (09022015). Collection method: clinical testing. Allele origin: germline.
Comment: In summary, the available evidence is currently insufficient to determine the role of this variant in disease. Therefore, it has been classified as a Variant of Uncertain Significance. Advanced modeling of protein sequence and biophysical properties (such as structural, functional, and spatial information, amino acid conservation, physicochemical variation, residue mobility, and thermodynamic stability) performed at Invitae indicates that this missense variant is not expected to disrupt AMT protein function. This variant has not been reported in the literature in individuals affected with AMT-related conditions. This variant is not present in population databases (gnomAD no frequency). This sequence change replaces methionine, which is neutral and non-polar, with threonine, which is neutral and polar, at codon 375 of the AMT protein (p.Met375Thr).

NM_000481.4(AMT):c.1124T>C (p.Met375Thr)

Gene: AMT (aminomethyltransferase; minus strand). Cytogenetic location: 3p21.31.
Variant type: single nucleotide variant.
Coding change: c.1124T>C on transcript NM_000481.4 (MANE Select); coding-DNA position 1124, T replaced by C.
Protein change: p.Met375Thr; replaces methionine 375 with threonine.
Molecular consequence: missense variant. On other transcripts: non-coding transcript variant (1).
Genome position (GRCh38, 1-based): chr3:49,417,628, A>G on the plus strand (T>C on the coding strand, the complement: AMT is on the minus strand). VCF-style: chr3-49417628-A-G. GRCh37 (hg19) VCF-style: chr3-49455061-A-G.
Other names: c.992T>C, p.Met331Thr (NM_001164710.2); c.956T>C, p.Met319Thr (NM_001164711.2); c.1124T>C, p.Met375Thr (NM_001164712.2); short protein forms M331T, M375T, M319T.
Identifiers: ClinVar variation 2092698 (VCV002092698.4), dbSNP rs2471145207, ClinGen allele CA352788800.